The following is an entry in ClinVar:

NC_000001.10:g.(?_46662483)_(46671639_?)del

Genes: LURAP1 (leucine rich adaptor protein 1; plus strand), POMGNT1 (protein O-linked mannose N-acetylglucosaminyltransferase 1 (beta 1,2-); minus strand). Cytogenetic location: 1p34.1.
Variant type: Deletion.
Identifiers: ClinVar variation 1459647 (VCV001459647.8).

ClinVar aggregate classification (germline): Pathogenic (1 of 4 stars; one submission).

Conditions:
Autosomal recessive limb-girdle muscular dystrophy type 2O. Also called: Limb-Girdle Muscular Dystrophy Type 3C; MUSCULAR DYSTROPHY-DYSTROGLYCANOPATHY (LIMB-GIRDLE), TYPE C, 3; MUSCULAR DYSTROPHY-DYSTROGLYCANOPATHY, LIMB-GIRDLE, POMGNT1-RELATED. Identifiers: Orphanet 206564, MedGen C3150417, MONDO:0013161, OMIM 613157.
Muscular dystrophy-dystroglycanopathy (congenital with impaired intellectual development), type B, 3. Also called: Muscular dystrophy-dystroglycanopathy (congenital with intellectual disability), type B3; MUSCULAR DYSTROPHY, CONGENITAL, POMGNT1-RELATED. Identifiers: MedGen C3150412, MONDO:0013155, OMIM 613151.

Submission:

Labcorp Genetics (formerly Invitae), Labcorp
Classification: Pathogenic for Autosomal recessive limb-girdle muscular dystrophy type 2O; Muscular dystrophy-dystroglycanopathy (congenital with impaired intellectual development), type B, 3. Last evaluated: 2021-04-02. Review status: criteria provided, single submitter. Criteria: Invitae Variant Classification Sherloc (09022015). Collection method: clinical testing. Allele origin: germline.
Comment: For these reasons, this variant has been classified as Pathogenic. Experimental studies and prediction algorithms are not available or were not evaluated, and the functional significance of this variant is currently unknown. This variant has not been reported in the literature in individuals with POMGNT1-related conditions. This variant results in the deletion of exon(s) 1-3 and part of exon 4 (c.-7682_274del) of the POMGNT1 gene. It is expected to result in an absent or disrupted protein product. Loss-of-function variants in POMGNT1 are known to be pathogenic (PMID: 19299310, 20816175, 21447391, 26908613, 27391550).

Literature cited by the submitters: PubMed 19299310; PubMed 20816175; PubMed 21447391; PubMed 26908613; PubMed 27391550.